The following is an entry in ClinVar:

ClinVar aggregate classification (germline): Benign/Likely benign. Review status: criteria provided, multiple submitters, no conflicts (2 of 4 stars). 5 submissions from 5 submitters: Benign (1); Likely benign (4). Last evaluated 2026-06-01.

Conditions:
Spastic paraplegia. Identifiers: MedGen C0037772, HP:0001258.

Allele frequency attached by ClinVar (database versions not stated): gnomAD exomes 0.00008 and 0.00014; TOPMed 0.00027; gnomAD 0.00037 and 0.00038.
gnomAD v4.1: 148 of 1,384,100 alleles (0.011%); highest among the groups gnomAD compares: Admixed American, 0.14%; no homozygotes.

Submissions (5):

CeGaT Center for Human Genetics Tuebingen
Classification: Likely benign. Last evaluated: 2026-06-01. Review status: criteria provided, single submitter. Criteria: CeGaT Center For Human Genetics Tuebingen Variant Classification Criteria Version 2. Collection method: clinical testing. Allele origin: germline. Affected: yes. Observed: 4 variant alleles.
Comment: FA2H: BP4, BP7

Labcorp Genetics (formerly Invitae), Labcorp
Classification: Likely benign for Spastic paraplegia. Last evaluated: 2025-10-26. Review status: criteria provided, single submitter. Criteria: Invitae Variant Classification Sherloc (09022015). Collection method: clinical testing. Allele origin: germline.

Laboratory of Genetics, Children's Clinical University Hospital Latvia
Classification: Benign. Last evaluated: 2025-02-16. Review status: criteria provided, single submitter. Criteria: ACMG Guidelines, 2015. Collection method: clinical testing. Allele origin: germline. Affected: yes.

Blueprint Genetics
Classification: Likely benign. Last evaluated: 2024-11-07. Review status: criteria provided, single submitter. Criteria: ACMG Guidelines, 2015. Collection method: clinical testing. Allele origin: germline.

GeneDx
Classification: Likely benign. Last evaluated: 2018-01-04. Review status: criteria provided, single submitter. Criteria: GeneDx Variant Classification (06012015). Collection method: clinical testing. Allele origin: germline. Affected: yes.
Comment: This variant is considered likely benign or benign based on one or more of the following criteria: it is a conservative change, it occurs at a poorly conserved position in the protein, it is predicted to be benign by multiple in silico algorithms, and/or has population frequency not consistent with disease.

NM_024306.5(FA2H):c.66C>G (p.Ala22=)

Genes: FA2H (fatty acid 2-hydroxylase; minus strand), LOC130059394 (ATAC-STARR-seq lymphoblastoid silent region 7701; plus strand). Cytogenetic location: 16q23.1.
Variant type: single nucleotide variant.
Coding change: c.66C>G on transcript NM_024306.5 (MANE Select); coding-DNA position 66, C replaced by G.
Protein change: p.Ala22=; no amino-acid change (alanine 22 retained).
Molecular consequence: synonymous variant.
Genome position (GRCh38, 1-based): chr16:74,774,690, G>C on the plus strand (C>G on the coding strand, the complement: FA2H is on the minus strand). VCF-style: chr16-74774690-G-C. GRCh37 (hg19) VCF-style: chr16-74808588-G-C.
Identifiers: ClinVar variation 514153 (VCV000514153.44), dbSNP rs941508343, ClinGen allele CA283770107.